The following is an entry in ClinVar:

ClinVar aggregate classification (germline): Uncertain significance (1 of 4 stars; one submission).

Conditions:
Polyglandular autoimmune syndrome, type 1 (APS1). Also called: HYPOADRENOCORTICISM WITH HYPOPARATHYROIDISM AND SUPERFICIAL MONILIASIS; Autoimmune polyendocrinopathy syndrome, type I; Whitaker syndrome; Autoimmune polyendocrinopathy syndrome , type I, with or without reversible metaphyseal dysplasia; PGA I; AUTOIMMUNE POLYENDOCRINE SYNDROME, TYPE I, WITH OR WITHOUT REVERSIBLE METAPHYSEAL DYSPLASIA. Identifiers: Orphanet 3453, MedGen C0085859, MONDO:0009411, OMIM 240300.

Allele frequency attached by ClinVar (database versions not stated): gnomAD 0.00001; gnomAD exomes 0.00001; ExAC 0.00002; TOPMed 0.00002.
gnomAD v4.1: 10 of 1,612,284 alleles (0.00062%); highest among the groups gnomAD compares: South Asian, 0.0044%; no homozygotes.

Submission:

Labcorp Genetics (formerly Invitae), Labcorp
Classification: Uncertain significance for Polyglandular autoimmune syndrome, type 1. Last evaluated: 2026-01-06. Review status: criteria provided, single submitter. Criteria: Invitae Variant Classification Sherloc (09022015). Collection method: clinical testing. Allele origin: germline.
Comment: This sequence change replaces alanine, which is neutral and non-polar, with threonine, which is neutral and polar, at codon 142 of the AIRE protein (p.Ala142Thr). This variant is present in population databases (rs755258600, gnomAD 0.0009%). This variant has not been reported in the literature in individuals affected with AIRE-related conditions. ClinVar contains an entry for this variant (Variation ID: 1355945). Invitae Evidence Modeling of protein sequence and biophysical properties (such as structural, functional, and spatial information, amino acid conservation, physicochemical variation, residue mobility, and thermodynamic stability) indicates that this missense variant is not expected to disrupt AIRE protein function with a negative predictive value of 95%. In summary, the available evidence is currently insufficient to determine the role of this variant in disease. Therefore, it has been classified as a Variant of Uncertain Significance.

NM_000383.4(AIRE):c.424G>A (p.Ala142Thr)

Gene: AIRE (autoimmune regulator; plus strand). Cytogenetic location: 21q22.3.
Variant type: single nucleotide variant.
Coding change: c.424G>A on transcript NM_000383.4 (MANE Select); coding-DNA position 424, G replaced by A.
Protein change: p.Ala142Thr; replaces alanine 142 with threonine.
Molecular consequence: missense variant.
Genome position (GRCh38, 1-based): chr21:44,287,094, G>A. VCF-style: chr21-44287094-G-A. GRCh37 (hg19) VCF-style: chr21-45706977-G-A.
Other names: short protein forms A142T.
Identifiers: ClinVar variation 1355945 (VCV001355945.4), dbSNP rs755258600, ClinGen allele CA10051553.
Genomic context (GRCh38, chr21:44,287,094, plus strand): 5'-TTGGTACCGCCACCCAGACTCCCCACCAAGAGGAAGGCCTCAGAAGAGGCTCGAGCTGCC[G>A]CGCCAGCAGCCCTGACTCCAAGGGGCACCGCCAGCCCAGGTACCCTCCCTGCAGGGGAAG-3'
Protein context (NP_000374.1, residues 132-152): RKASEEARAA[Ala142Thr]PAALTPRGTA